The following is an entry in ClinVar:

NM_001110556.2(FLNA):c.3671T>G (p.Leu1224Arg)

Gene: FLNA (filamin A; minus strand). Cytogenetic location: Xq28.
Variant type: single nucleotide variant.
Coding change: c.3671T>G on transcript NM_001110556.2 (MANE Select); coding-DNA position 3671, T replaced by G.
Protein change: p.Leu1224Arg; replaces leucine 1224 with arginine.
Molecular consequence: missense variant.
Genome position (GRCh38, 1-based): chrX:154,360,124, A>C on the plus strand (T>G on the coding strand, the complement: FLNA is on the minus strand). VCF-style: chrX-154360124-A-C. GRCh37 (hg19) VCF-style: chrX-153588492-A-C.
Other names: c.3671T>G, p.Leu1224Arg (NM_001456.4); short protein forms L1224R.
Identifiers: ClinVar variation 1506824 (VCV001506824.6), dbSNP rs2148112042, ClinGen allele CA415223447.

ClinVar aggregate classification (germline): Uncertain significance (1 of 4 stars; one submission).

Conditions:
Oto-palato-digital syndrome, type II (OPD2). Also called: FACIOPALATOOSSEOUS SYNDROME; OPD II SYNDROME; Otopalatodigital Syndrome, Type II; Otopalatodigital Syndrome Type 2 (FLNA-OPD2). Identifiers: Orphanet 669, Orphanet 90652, MedGen C1844696, MONDO:0010571, OMIM 304120.
Heterotopia, periventricular, X-linked dominant (PVNH1). Also called: PERIVENTRICULAR NODULAR HETEROTOPIA 4; HETEROTOPIA, PERIVENTRICULAR, 1; PERIVENTRICULAR NODULAR HETEROTOPIA 1; X-linked periventricular heterotopia. Identifiers: Orphanet 2149, Orphanet 82004, MedGen C1848213, MONDO:0010233, OMIM 300049.
Melnick-Needles syndrome (MNS). Also called: MELNICK-NEEDLES OSTEODYSPLASTY; OSTEODYSPLASTY OF MELNICK AND NEEDLES; Melnick-Needles Syndrome (FLNA-MNS). Identifiers: Orphanet 2484, MedGen C0025237, MONDO:0010650, OMIM 309350.
Frontometaphyseal dysplasia (FMD1). Identifiers: Orphanet 1826, MedGen C0265293, MONDO:0015942.

Submission:

Labcorp Genetics (formerly Invitae), Labcorp
Classification: Uncertain significance for Oto-palato-digital syndrome, type II; Heterotopia, periventricular, X-linked dominant; Frontometaphyseal dysplasia; Melnick-Needles syndrome. Last evaluated: 2022-07-26. Review status: criteria provided, single submitter. Criteria: Invitae Variant Classification Sherloc (09022015). Collection method: clinical testing. Allele origin: germline.
Comment: Advanced modeling of protein sequence and biophysical properties (such as structural, functional, and spatial information, amino acid conservation, physicochemical variation, residue mobility, and thermodynamic stability) performed at Invitae indicates that this missense variant is not expected to disrupt FLNA protein function. This sequence change replaces leucine, which is neutral and non-polar, with arginine, which is basic and polar, at codon 1224 of the FLNA protein (p.Leu1224Arg). This variant is not present in population databases (gnomAD no frequency). This variant has not been reported in the literature in individuals affected with FLNA-related conditions. ClinVar contains an entry for this variant (Variation ID: 1506824). In summary, the available evidence is currently insufficient to determine the role of this variant in disease. Therefore, it has been classified as a Variant of Uncertain Significance.